The following is an entry in ClinVar:

NM_000742.4(CHRNA2):c.166A>T (p.Thr56Ser)

Gene: CHRNA2 (cholinergic receptor nicotinic alpha 2 subunit; minus strand). Cytogenetic location: 8p21.2.
Variant type: single nucleotide variant.
Coding change: c.166A>T on transcript NM_000742.4 (MANE Select); coding-DNA position 166, A replaced by T.
Protein change: p.Thr56Ser; replaces threonine 56 with serine.
Molecular consequence: missense variant. On other transcripts: 5 prime UTR variant (4).
Genome position (GRCh38, 1-based): chr8:27,469,889, T>A on the plus strand (A>T on the coding strand, the complement: CHRNA2 is on the minus strand). VCF-style: chr8-27469889-T-A. GRCh37 (hg19) VCF-style: chr8-27327406-T-A.
Other names: c.166A>T, p.Thr56Ser (NM_001282455.2); c.-262A>T (NM_001347705.2); c.-307A>T (NM_001347706.2); c.-248A>T (NM_001347707.2); c.-296A>T (NM_001347708.2); short protein forms T56S.
Identifiers: ClinVar variation 289277 (VCV000289277.22), dbSNP rs144185168, ClinGen allele CA4689777.
Genomic context (GRCh38, chr8:27,469,889, plus strand): 5'-GGCGCGCCCAGCGGTTGTAGCCCCGGAAGAGGTGTTTGAAGAGCCGGTCCTCAGTCTCGG[T>A]ATGCGAGCCTCCCTGCGGCAATGCCGTGGGACTGGGAGAGGAGAGTGGGTCTCCAGGAGC-3'
Protein context (NP_000733.2, residues 46-66): PTALPQGGSH[Thr56Ser]ETEDRLFKHL

ClinVar aggregate classification (germline): Conflicting classifications of pathogenicity. Review status: criteria provided, conflicting classifications (1 of 4 stars). 5 submissions from 5 submitters: Uncertain significance (1); Benign (3); Likely benign (1). Last evaluated 2026-01-26.

Conditions:
Familial sleep-related hypermotor epilepsy. Also called: Autosomal Dominant Sleep-Related Hypermotor (Hyperkinetic) Epilepsy. Identifiers: Orphanet 98784, MedGen C3696898, MONDO:0000030.
Inborn genetic diseases. Identifiers: MedGen C0950123, MeSH D030342.
Autosomal dominant nocturnal frontal lobe epilepsy 4. Also called: EPILEPSY, FAMILIAL, WITH NOCTURNAL WANDERING AND ICTAL FEAR; CHRNA2-Related Nocturnal Frontal Lobe Epilepsy, Autosomal Dominant. Identifiers: Orphanet 98784, MedGen C1835905, MONDO:0012474, OMIM 610353.

Allele frequency attached by ClinVar (database versions not stated): gnomAD 0.00040 and 0.00034; gnomAD exomes 0.00002 and 0.00007; ExAC 0.00009; ESP Exome Variant Server 0.00038; TOPMed 0.00041.
gnomAD v4.1: 85 of 1,613,974 alleles (0.0053%); highest among the groups gnomAD compares: African/African-American, 0.11%; no homozygotes.

Submissions (5):

Labcorp Genetics (formerly Invitae), Labcorp
Classification: Likely benign. Last evaluated: 2026-01-26. Review status: criteria provided, single submitter. Criteria: Invitae Variant Classification Sherloc (09022015). Collection method: clinical testing. Allele origin: germline.

Ambry Genetics
Classification: Benign for Inborn genetic diseases. Last evaluated: 2022-01-12. Review status: criteria provided, single submitter. Criteria: Ambry Variant Classification Scheme 2023. Collection method: clinical testing. Allele origin: germline.

GeneDx
Classification: Benign. Last evaluated: 2021-05-24. Review status: criteria provided, single submitter. Criteria: GeneDx Variant Classification Process June 2021. Collection method: clinical testing. Allele origin: germline. Affected: yes.

Illumina Laboratory Services, Illumina
Classification: Benign for Autosomal dominant nocturnal frontal lobe epilepsy 4. Last evaluated: 2018-01-12. Review status: criteria provided, single submitter. Criteria: ICSL Variant Classification Criteria 13 December 2019. Collection method: clinical testing. Allele origin: germline.
Comment: This variant was observed in the ICSL laboratory as part of a predisposition screen in an ostensibly healthy population. It had not been previously curated by ICSL or reported in the Human Gene Mutation Database (HGMD: prior to June 1st, 2018), and was therefore a candidate for classification through an automated scoring system. Utilizing variant allele frequency, disease prevalence and penetrance estimates, and inheritance mode, an automated score was calculated to assess if this variant is too frequent to cause the disease. Based on the score and internal cut-off values, a variant classified as benign is not then subjected to further curation. The score for this variant resulted in a classification of benign for this disease.

Eurofins Ntd Llc (ga)
Classification: Uncertain significance. Last evaluated: 2016-08-09. Review status: criteria provided, single submitter. Criteria: EGL Classification Definitions 2015. Collection method: clinical testing. Allele origin: germline. Observed: 1 variant allele, 1 heterozygote.